The following is an entry in ClinVar:

ClinVar aggregate classification (germline): Uncertain significance (1 of 4 stars; one submission).

Submissions (2):

GeneDx
Classification: Uncertain significance. Last evaluated: 2022-02-08. Review status: criteria provided, single submitter. Criteria: GeneDx Variant Classification Process June 2021. Collection method: clinical testing. Allele origin: germline. Affected: yes.
Comment: Not observed at significant frequency in large population cohorts (gnomAD); In silico analysis supports that this missense variant has a deleterious effect on protein structure/function; Has not been previously published as pathogenic or benign to our knowledge; This variant is associated with the following publications: (PMID: 22170564)

Dr. Peter K. Rogan Lab, Western University
No classification provided (evidence only). Condition: Hepatocellular carcinoma. Review status: no classification provided. Collection method: in vitro. Allele origin: not applicable. Functional consequence: retained intron. Not counted in ClinVar's aggregate classification.

NM_002860.4(ALDH18A1):c.278G>T (p.Gly93Val)

Gene: ALDH18A1 (aldehyde dehydrogenase 18 family member A1; minus strand). Cytogenetic location: 10q24.1.
Variant type: single nucleotide variant.
Coding change: c.278G>T on transcript NM_002860.4 (MANE Select); coding-DNA position 278, G replaced by T.
Protein change: p.Gly93Val; replaces glycine 93 with valine.
Molecular consequence: missense variant. On other transcripts: intron variant (4).
Genome position (GRCh38, 1-based): chr10:95,643,017, C>A on the plus strand (G>T on the coding strand, the complement: ALDH18A1 is on the minus strand). VCF-style: chr10-95643017-C-A. GRCh37 (hg19) VCF-style: chr10-97402774-C-A.
Other names: NC_000010.10:g.97402774C>A; c.278G>T, p.Gly93Val (NM_001017423.2, NM_001323413.2, NM_001323414.2 and 2 more transcripts); c.-78-9368G>T (NM_001323419.2); c.-30-5581G>T (NM_001323412.2, NM_001323418.2, NM_001323416.2); short protein forms G93V.
Identifiers: ClinVar variation 1700328 (VCV001700328.3), dbSNP rs2139642033, ClinGen allele CA377707613.